The following is an entry in ClinVar:

ClinVar aggregate classification (germline): Uncertain significance. Review status: criteria provided, multiple submitters, no conflicts (2 of 4 stars). 5 submissions from 5 submitters: Uncertain significance (5). Last evaluated 2026-05-28.

Conditions:
Autosomal recessive limb-girdle muscular dystrophy type 2P. Also called: MUSCULAR DYSTROPHY-DYSTROGLYCANOPATHY, LIMB-GIRDLE, DAG1-RELATED; Limb-Girdle Muscular Dystrophy Type 9C; MUSCULAR DYSTROPHY, LIMB-GIRDLE, TYPE 2P. Identifiers: Orphanet 280333, MedGen C4511963, MONDO:0013440, OMIM 613818.
Muscular dystrophy-dystroglycanopathy (congenital with brain and eye anomalies), type A9. Also called: Muscular dystrophy-dystroglycanopathy (congenital with brain and eye anomalies), type a, 9; WALKER-WARBURG SYNDROME OR MUSCLE-EYE BRAIN DISEASE, DAG1-RELATED. Identifiers: Orphanet 370997, Orphanet 899, MedGen C4225291, MONDO:0014683, OMIM 616538.
Inborn genetic diseases. Identifiers: MedGen C0950123, MeSH D030342.

Allele frequency attached by ClinVar (database versions not stated): gnomAD 0.00010; 1000 Genomes Project 0.00020; TOPMed 0.00007; 1000 Genomes Project 30x 0.00016.
gnomAD v4.1: 31 of 1,613,586 alleles (0.0019%); highest among the groups gnomAD compares: East Asian, 0.065%; no homozygotes.

Submissions (5):

Women's Health and Genetics/Laboratory Corporation of America, LabCorp
Classification: Uncertain significance. Last evaluated: 2026-05-28. Review status: criteria provided, single submitter. Criteria: LabCorp Variant Classification Summary - May 2015. Collection method: clinical testing. Allele origin: germline.
Comment: Variant summary: DAG1 c.1205G>T (p.Arg402Leu) results in a non-conservative amino acid change in the encoded protein sequence. Algorithms developed to predict the effect of missense changes on protein structure and function are either unavailable or do not agree on the potential impact of this missense change. The variant allele was found at a frequency of 6.8e-05 in 251422 control chromosomes. This frequency is not significantly higher than estimated for disease-causing variants in DAG1, allowing no conclusion about variant significance. To our knowledge, no occurrence of c.1205G>T in individuals affected with DAG1-related conditions and no experimental evidence demonstrating its impact on protein function have been reported. ClinVar contains an entry for this variant (Variation ID: 282307). Based on the evidence outlined above, the variant was classified as uncertain significance.

Ambry Genetics
Classification: Uncertain significance for Inborn genetic diseases. Last evaluated: 2025-08-14. Review status: criteria provided, single submitter. Criteria: Ambry Variant Classification Scheme 2023. Collection method: clinical testing. Allele origin: germline.

Labcorp Genetics (formerly Invitae), Labcorp
Classification: Uncertain significance for Autosomal recessive limb-girdle muscular dystrophy type 2P; Muscular dystrophy-dystroglycanopathy (congenital with brain and eye anomalies), type A9. Last evaluated: 2022-07-06. Review status: criteria provided, single submitter. Criteria: Invitae Variant Classification Sherloc (09022015). Collection method: clinical testing. Allele origin: germline.
Comment: This sequence change replaces arginine, which is basic and polar, with leucine, which is neutral and non-polar, at codon 402 of the DAG1 protein (p.Arg402Leu). This variant is present in population databases (rs537829489, gnomAD 0.1%). This variant has not been reported in the literature in individuals affected with DAG1-related conditions. ClinVar contains an entry for this variant (Variation ID: 282307). Algorithms developed to predict the effect of missense changes on protein structure and function (SIFT, PolyPhen-2, Align-GVGD) all suggest that this variant is likely to be tolerated. In summary, the available evidence is currently insufficient to determine the role of this variant in disease. Therefore, it has been classified as a Variant of Uncertain Significance.

Revvity Omics, Revvity
Classification: Uncertain significance. Last evaluated: 2019-11-15. Review status: criteria provided, single submitter. Criteria: ACMG Guidelines, 2015. Collection method: clinical testing. Allele origin: germline.

Eurofins Ntd Llc (ga)
Classification: Uncertain significance. Last evaluated: 2015-09-10. Review status: criteria provided, single submitter. Criteria: EGL Classification Definitions 2015. Collection method: clinical testing. Allele origin: germline. Observed: 2 variant alleles, 2 heterozygotes.

NM_004393.6(DAG1):c.1205G>T (p.Arg402Leu)

Gene: DAG1 (dystroglycan 1; plus strand). Cytogenetic location: 3p21.31.
Variant type: single nucleotide variant.
Coding change: c.1205G>T on transcript NM_004393.6 (MANE Select); coding-DNA position 1205, G replaced by T.
Protein change: p.Arg402Leu; replaces arginine 402 with leucine.
Molecular consequence: missense variant.
Genome position (GRCh38, 1-based): chr3:49,531,716, G>T. VCF-style: chr3-49531716-G-T. GRCh37 (hg19) VCF-style: chr3-49569149-G-T.
Other names: c.1205G>T, p.Arg402Leu (NM_001165928.4, NM_001177634.3, NM_001177635.3 and 9 more transcripts); c.1205G>T (NM_004393.4); short protein forms R402L.
Identifiers: ClinVar variation 282307 (VCV000282307.14), dbSNP rs537829489, ClinGen allele CA2399031.
Genomic context (GRCh38, chr3:49,531,716, plus strand): 5'-TAGGCCCCATCCAGCCTACTCGGGTGTCAGAAGCTGGCACCACAGTTCCTGGCCAGATTC[G>T]CCCAACGATGACCATTCCTGGCTATGTGGAGCCTACTGCAGTTGCTACCCCTCCCACAAC-3'
Protein context (NP_004384.5, residues 392-412): EAGTTVPGQI[Arg402Leu]PTMTIPGYVE